The following is an entry in ClinVar:

NM_005732.4(RAD50):c.280A>T (p.Ile94Leu)

Gene: RAD50 (RAD50 double strand break repair protein; plus strand). Cytogenetic location: 5q31.1.
Variant type: single nucleotide variant.
Coding change: c.280A>T on transcript NM_005732.4 (MANE Select); coding-DNA position 280, A replaced by T.
Protein change: p.Ile94Leu; replaces isoleucine 94 with leucine.
Molecular consequence: missense variant.
Genome position (GRCh38, 1-based): chr5:132,575,843, A>T. VCF-style: chr5-132575843-A-T. GRCh37 (hg19) VCF-style: chr5-131911535-A-T.
Other names: short protein forms I94L.
Identifiers: ClinVar variation 2916987 (VCV002916987.3), dbSNP rs28903085, ClinGen allele CA360930831.
Genomic context (GRCh38, chr5:132,575,843, plus strand): 5'-CAAGAAACAGATGTGAGAGCCCAGATTCGTCTGCAATTTCGTGATGTCAATGGAGAACTT[A>T]TAGCTGTGCAAAGATCTATGGTGTGTACTCAGAAAAGCAAAAAGACAGAATTTAAAACTC-3'
Protein context (NP_005723.2, residues 84-104): LQFRDVNGEL[Ile94Leu]AVQRSMVCTQ

ClinVar aggregate classification (germline): Uncertain significance (1 of 4 stars; one submission).

Conditions:
Hereditary cancer-predisposing syndrome. Also called: Neoplastic Syndromes, Hereditary; Tumor predisposition; Hereditary Cancer Syndrome; Hereditary neoplastic syndrome. Identifiers: Orphanet 140162, MedGen C0027672, MeSH D009386, MONDO:0015356.

Submission:

Labcorp Genetics (formerly Invitae), Labcorp
Classification: Uncertain significance for Hereditary cancer-predisposing syndrome. Last evaluated: 2023-08-10. Review status: criteria provided, single submitter. Criteria: Invitae Variant Classification Sherloc (09022015). Collection method: clinical testing. Allele origin: germline.
Comment: This missense change has been observed in individual(s) with breast or ovarian cancer (PMID: 14684699, 16385572). In summary, the available evidence is currently insufficient to determine the role of this variant in disease. Therefore, it has been classified as a Variant of Uncertain Significance. Advanced modeling of protein sequence and biophysical properties (such as structural, functional, and spatial information, amino acid conservation, physicochemical variation, residue mobility, and thermodynamic stability) performed at Invitae indicates that this missense variant is not expected to disrupt RAD50 protein function. This variant is not present in population databases (gnomAD no frequency). This sequence change replaces isoleucine, which is neutral and non-polar, with leucine, which is neutral and non-polar, at codon 94 of the RAD50 protein (p.Ile94Leu).

Literature cited by the submitters: PubMed 14684699; PubMed 16385572.